The following is an entry in ClinVar:

ClinVar aggregate classification (germline): Uncertain significance (1 of 4 stars; one submission).

gnomAD v4.1: 8 of 1,614,100 alleles (0.0005%); highest among the groups gnomAD compares: Admixed American, 0.013%; no homozygotes.

Submission:

GeneDx
Classification: Uncertain significance. Last evaluated: 2025-03-13. Review status: criteria provided, single submitter. Criteria: GeneDx Variant Classification Process June 2021. Collection method: clinical testing. Allele origin: germline. Affected: yes.
Comment: In silico analysis supports that this missense variant has a deleterious effect on protein structure/function; Has not been previously published as pathogenic or benign to our knowledge

NM_014140.4(SMARCAL1):c.2381C>T (p.Ser794Phe)

Gene: SMARCAL1 (SNF2 related chromatin remodeling annealing helicase 1; plus strand). Cytogenetic location: 2q35.
Variant type: single nucleotide variant.
Coding change: c.2381C>T on transcript NM_014140.4 (MANE Select); coding-DNA position 2381, C replaced by T.
Protein change: p.Ser794Phe; replaces serine 794 with phenylalanine.
Molecular consequence: missense variant.
Genome position (GRCh38, 1-based): chr2:216,475,405, C>T. VCF-style: chr2-216475405-C-T. GRCh37 (hg19) VCF-style: chr2-217340128-C-T.
Other names: c.2381C>T, p.Ser794Phe (NM_001127207.2); short protein forms S794F.
Identifiers: ClinVar variation 4083222 (VCV004083222.1).